The following is an entry in ClinVar:

ClinVar aggregate classification (germline): Uncertain significance. Review status: criteria provided, multiple submitters, no conflicts (2 of 4 stars). 2 submissions from 2 submitters: Uncertain significance (2). Last evaluated 2023-11-28.

Allele frequency attached by ClinVar (database versions not stated): gnomAD 0.00001; gnomAD exomes 0.00002; TOPMed 0.00004; ExAC 0.00005.
gnomAD v4.1: 25 of 1,613,776 alleles (0.0015%); highest among the groups gnomAD compares: Admixed American, 0.018%; no homozygotes.

Submissions (2):

Ambry Genetics
Classification: Uncertain significance. Last evaluated: 2023-11-28. Review status: criteria provided, single submitter. Criteria: Ambry Variant Classification Scheme 2023. Collection method: clinical testing. Allele origin: germline.

Labcorp Genetics (formerly Invitae), Labcorp
Classification: Uncertain significance. Last evaluated: 2023-09-19. Review status: criteria provided, single submitter. Criteria: Invitae Variant Classification Sherloc (09022015). Collection method: clinical testing. Allele origin: germline.
Comment: This variant has not been reported in the literature in individuals affected with FMN1-related conditions. In summary, the available evidence is currently insufficient to determine the role of this variant in disease. Therefore, it has been classified as a Variant of Uncertain Significance. Experimental studies and prediction algorithms are not available or were not evaluated, and the functional significance of this variant is currently unknown. This variant is present in population databases (rs750195886, gnomAD 0.03%). This sequence change replaces lysine, which is basic and polar, with arginine, which is basic and polar, at codon 415 of the FMN1 protein (p.Lys415Arg).

NM_001277313.2(FMN1):c.2044-1567A>G

Gene: FMN1 (formin 1; minus strand). Cytogenetic location: 15q13.3.
Variant type: single nucleotide variant.
Coding change: c.2044-1567A>G on transcript NM_001277313.2 (MANE Select); 1567 bases into the intron before coding-DNA position 2044, A replaced by G.
Molecular consequence: intron variant. On other transcripts: missense variant (1).
Genome position (GRCh38, 1-based): chr15:33,066,641, T>C on the plus strand (A>G on the coding strand, the complement: FMN1 is on the minus strand). VCF-style: chr15-33066641-T-C. GRCh37 (hg19) VCF-style: chr15-33358842-T-C.
Other names: c.1244A>G (NM_001103184.2); c.1244A>G, p.Lys415Arg (NM_001103184.4); short protein forms K415R.
Identifiers: ClinVar variation 2719127 (VCV002719127.4), dbSNP rs750195886, ClinGen allele CA7457140.
Genomic context (GRCh38, chr15:33,066,641, plus strand): 5'-TTCTCATGTCTCATCTTGCGCTTGAGAGCTTCCAGCTCAGAGGTGTCAGCTGTGGTCCCC[T>C]TTCTGGGGGGCCGGATGAATAGGGCTTTAAAAGCCTCCAGGGCTGTCTCTGGCGACTTTG-3'